The following is an entry in ClinVar:

NM_018896.5(CACNA1G):c.1944C>T (p.Cys648=)

Gene: CACNA1G (calcium voltage-gated channel subunit alpha1 G; plus strand). Cytogenetic location: 17q21.33.
Variant type: single nucleotide variant.
Coding change: c.1944C>T on transcript NM_018896.5 (MANE Select); coding-DNA position 1944, C replaced by T.
Protein change: p.Cys648=; no amino-acid change (cysteine 648 retained).
Molecular consequence: synonymous variant. On other transcripts: non-coding transcript variant (5).
Genome position (GRCh38, 1-based): chr17:50,578,207, C>T. VCF-style: chr17-50578207-C-T. GRCh37 (hg19) VCF-style: chr17-48655568-C-T.
Other names: c.1944C>T, p.Cys648= (NM_001256324.2, NM_001256325.2, NM_001256326.2 and 24 more transcripts).
Identifiers: ClinVar variation 2145954 (VCV002145954.11), dbSNP rs559202195, ClinGen allele CA8652286.
Genomic context (GRCh38, chr17:50,578,207, plus strand): 5'-ACGAGACTCTGGAGCCTCTCACCTCTACTCTCCTGTTCCAGGTGCCTGCCAAAGCTCTTG[C>T]AAGATCTCCAGCCCTTGCTTGAAAGCAGACAGTGGAGCCTGTGGTCCAGACAGCTGCCCC-3'
Protein context (NP_061496.2, residues 638-658): TQSTGACQSS[Cys648=]KISSPCLKAD

ClinVar aggregate classification (germline): Benign/Likely benign. Review status: criteria provided, multiple submitters, no conflicts (2 of 4 stars). 3 submissions from 3 submitters: Benign (1); Likely benign (2). Last evaluated 2025-11-01.

Allele frequency attached by ClinVar (database versions not stated): TOPMed 0.00007; gnomAD 0.00026; gnomAD exomes 0.00034; ExAC 0.00087; 1000 Genomes Project 30x 0.00125; 1000 Genomes Project 0.00160.
gnomAD v4.1: 534 of 1,584,890 alleles (0.034%); highest among the groups gnomAD compares: South Asian, 0.54%; no homozygotes.

Submissions (3):

CeGaT Center for Human Genetics Tuebingen
Classification: Likely benign. Last evaluated: 2025-11-01. Review status: criteria provided, single submitter. Criteria: CeGaT Center For Human Genetics Tuebingen Variant Classification Criteria Version 2. Collection method: clinical testing. Allele origin: germline. Affected: yes. Observed: 1 variant allele.
Comment: CACNA1G: BP4, BS1

Blueprint Genetics
Classification: Likely benign. Last evaluated: 2024-03-18. Review status: criteria provided, single submitter. Criteria: ACMG Guidelines, 2015. Collection method: clinical testing. Allele origin: germline.

Labcorp Genetics (formerly Invitae), Labcorp
Classification: Benign. Last evaluated: 2023-06-02. Review status: criteria provided, single submitter. Criteria: Invitae Variant Classification Sherloc (09022015). Collection method: clinical testing. Allele origin: germline.